The following is an entry in ClinVar:

ClinVar aggregate classification (germline): Conflicting classifications of pathogenicity. Review status: criteria provided, conflicting classifications (1 of 4 stars). 9 submissions from 9 submitters: Uncertain significance (7); Likely benign (1). 1 of the submissions does not count toward it. Last evaluated 2026-06-25.

Conditions:
Hereditary breast ovarian cancer syndrome. Also called: Hereditary breast and ovarian cancer syndrome; Hereditary breast and ovarian cancer syndrome (HBOC); BRCA1- and BRCA2-Associated Hereditary Breast and Ovarian Cancer; Breast and ovarian cancer; Hereditary breast and ovarian cancer; Hereditary breast and/or ovarian cancer syndrome. Identifiers: Orphanet 145, MedGen C0677776, MeSH D061325, MONDO:0003582. Disease mechanism: loss of function.
Hereditary cancer-predisposing syndrome. Also called: Hereditary Cancer Syndrome; Hereditary neoplastic syndrome; Tumor predisposition; Neoplastic Syndromes, Hereditary. Identifiers: Orphanet 140162, MedGen C0027672, MeSH D009386, MONDO:0015356.
Breast-ovarian cancer, familial, susceptibility to, 1 (BROVCA1). Also called: OVARIAN CANCER, SUSCEPTIBILITY TO; BRCA1 Hereditary Breast and Ovarian Cancer. Identifiers: Orphanet 145, MedGen C2676676, MONDO:0011450, OMIM 604370. Disease mechanism: loss of function.
BRCA1-related cancer predisposition. Identifiers: MedGen CN377757, MONDO:0700268.
BRCA1-related disorder. Also called: BRCA1-related condition.

Allele frequency attached by ClinVar (database versions not stated): gnomAD exomes below 0.00001; TOPMed below 0.00001.
gnomAD v4.1: 2 of 1,614,098 alleles (0.00012%); highest among the groups gnomAD compares: Admixed American, 0.0017%; no homozygotes.

Submissions (9):

Women's Health and Genetics/Laboratory Corporation of America, LabCorp
Classification: Uncertain significance. Last evaluated: 2026-06-25. Review status: criteria provided, single submitter. Criteria: LabCorp Variant Classification Summary - May 2015. Collection method: clinical testing. Allele origin: germline.
Comment: Variant summary: BRCA1 c.2888C>T (p.Thr963Ile) results in a non-conservative amino acid change in the encoded protein sequence. Algorithms developed to predict the effect of missense changes on protein structure and function are either unavailable or do not agree on the potential impact of this missense change. The variant allele was found at a frequency of 4e-06 in 251380 control chromosomes. The available data on variant occurrences in the general population are insufficient to allow any conclusion about variant significance. To our knowledge, no occurrence of c.2888C>T in individuals affected with BRCA1-related conditions and no experimental evidence demonstrating its impact on protein function have been reported. ClinVar contains an entry for this variant (Variation ID: 182077). Based on the evidence outlined above, the variant was classified as uncertain significance.

Ambry Genetics
Classification: Uncertain significance for Hereditary cancer-predisposing syndrome. Last evaluated: 2025-12-22. Review status: criteria provided, single submitter. Criteria: Ambry Variant Classification Scheme 2023. Collection method: clinical testing. Allele origin: germline.

Quest Diagnostics Nichols Institute San Juan Capistrano
Classification: Uncertain significance. Last evaluated: 2025-05-23. Review status: criteria provided, single submitter. Criteria: Quest Diagnostics criteria. Collection method: clinical testing. Allele origin: unknown.
Comment: The BRCA1 c.2888C>T (p.Thr963Ile) variant has been reported in the published literature to be located in a region of the BRCA1 gene that is tolerant to missense sequence changes (PMID: 31911673 (2020)). The frequency of this variant in the general population (Genome Aggregation Database) is uninformative in the assessment of its pathogenicity. Analysis of this variant using bioinformatics tools for the prediction of the effect of amino acid changes on protein structure and function yielded predictions that this variant is benign. Based on the available information, we are unable to determine the clinical significance of this variant.

Labcorp Genetics (formerly Invitae), Labcorp
Classification: Uncertain significance for Hereditary breast ovarian cancer syndrome. Last evaluated: 2025-04-28. Review status: criteria provided, single submitter. Criteria: Invitae Variant Classification Sherloc (09022015). Collection method: clinical testing. Allele origin: germline.
Comment: This sequence change replaces threonine, which is neutral and polar, with isoleucine, which is neutral and non-polar, at codon 963 of the BRCA1 protein (p.Thr963Ile). This variant is present in population databases (rs730881443, gnomAD 0.003%). This variant has not been reported in the literature in individuals affected with BRCA1-related conditions. ClinVar contains an entry for this variant (Variation ID: 182077). Invitae Evidence Modeling of protein sequence and biophysical properties (such as structural, functional, and spatial information, amino acid conservation, physicochemical variation, residue mobility, and thermodynamic stability) has been performed for this missense variant. However, the output from this modeling did not meet the statistical confidence thresholds required to predict the impact of this variant on BRCA1 protein function. In summary, the available evidence is currently insufficient to determine the role of this variant in disease. Therefore, it has been classified as a Variant of Uncertain Significance.

All of Us Research Program, National Institutes of Health
Classification: Uncertain significance for BRCA1-related cancer predisposition. Last evaluated: 2024-05-17. Review status: criteria provided, single submitter. Criteria: ACMG Guidelines, 2015. Collection method: clinical testing. Allele origin: germline. Inheritance: Autosomal dominant inheritance. Observed: 1 variant allele, 1 heterozygote.
Comment: This missense variant replaces threonine with isoleucine at codon 963 of the BRCA1 protein. Computational prediction is inconclusive regarding the impact of this variant on protein structure and function (internally defined REVEL score threshold 0.5 < inconclusive < 0.7, PMID: 27666373). To our knowledge, functional studies have not been reported for this variant. This variant has not been reported in individuals affected with hereditary cancer in the literature. This variant has been identified in 1/251380 chromosomes in the general population by the Genome Aggregation Database (gnomAD). The available evidence is insufficient to determine the role of this variant in disease conclusively. Therefore, this variant is classified as a Variant of Uncertain Significance.

This study involves interpretation of variants in research participants for the purpose of population health screening. Participant phenotype was not available at the time of variant classification. Additional details can be found in publication PMID: 35346344, PMCID: PMC8962531

St. Jude Molecular Pathology, St. Jude Children's Research Hospital
Classification: Uncertain significance for Breast-ovarian cancer, familial, susceptibility to, 1. Last evaluated: 2024-03-22. Review status: criteria provided, single submitter. Criteria: St. Jude Assertion Criteria 2020. Collection method: clinical testing. Allele origin: germline.
Comment: The BRCA1 c.2888C>T (p.Thr963Ile) missense change has a maximum subpopulation frequency of 0.003% in gnomAD v2.1.1. The in silico tool REVEL is inconclusive about a pathogenic or benign effect of this variant on protein function, and to our knowledge functional studies have not been performed. To our knowledge, this variant has not been reported in individuals with HBOC or Fanconi anemia. In summary, the evidence currently available is insufficient to determine the clinical significance of this variant. It has therefore been classified as of uncertain significance.?

University of Washington Department of Laboratory Medicine, University of Washington
Classification: Likely benign for Hereditary cancer-predisposing syndrome. Last evaluated: 2023-03-23. Review status: criteria provided, single submitter. Criteria: Dines et al. (Genet Med. 2020). Collection method: curation. Allele origin: germline.
Comment: Missense variant in a coldspot region where missense variants are very unlikely to be pathogenic (PMID:31911673).

BRCA1 coldspot (exon 11 using historical exon numbering). Reclassification based on statistical prior probability

GeneDx
Classification: Uncertain significance. Last evaluated: 2017-08-11. Review status: criteria provided, single submitter. Criteria: GeneDx Variant Classification (06012015). Collection method: clinical testing. Allele origin: germline. Affected: yes.
Comment: This variant is denoted BRCA1 c.2888C>T at the cDNA level, p.Thr963Ile (T963I) at the protein level, and results in the change of a Threonine to an Isoleucine (ACT>ATT). Using alternate nomenclature, this variant would be defined as BRCA1 3007C>T. This variant has not, to our knowledge, been published in the literature as pathogenic or benign. BRCA1 Thr963Ile was not observed in large population cohorts (NHLBI Exome Sequencing Project, The 1000 Genomes Consortium 2015, Lek 2016). Since Threonine and Isoleucine differ in polarity, charge, size or other properties, this is considered a non-conservative amino acid substitution. BRCA1 Thr963Ile occurs at a position that is not conserved and is located in the DNA binding domain and the RAD51 binding domain (Chen 1998, Narod 2004). In silico analyses predict that this variant is probably damaging to protein structure and function. Based on currently available evidence, it is unclear whether BRCA1 Thr963Ile is a pathogenic or benign variant. We consider it to be a variant of uncertain significance.

PreventionGenetics, part of Exact Sciences
Classification: Uncertain significance for BRCA1-related condition. Last evaluated: 2024-03-14. Review status: no assertion criteria provided. Collection method: clinical testing. Allele origin: germline. Not counted in ClinVar's aggregate classification.
Comment: The BRCA1 c.2888C>T variant is predicted to result in the amino acid substitution p.Thr963Ile. To our knowledge, this variant has not been reported in the literature. This variant occurs within a region of the BRCA1 gene that is predicted to be tolerant to missense variation (Table 2, Dines et al. 2020. PubMed ID: 31911673). This variant is reported in 0.0029% of alleles in individuals of Latino descent in gnomAD. This variant is interpreted as a variant of uncertain significance or likely benign in ClinVar. At this time, the clinical significance of this variant is uncertain due to the absence of conclusive functional and genetic evidence.

Literature cited by the submitters: PubMed 31911673 (cited by Quest Diagnostics Nichols Institute San Juan Capistrano); PubMed 29884841 (cited by Quest Diagnostics Nichols Institute San Juan Capistrano).

NM_007294.4(BRCA1):c.2888C>T (p.Thr963Ile)

Gene: BRCA1 (BRCA1 DNA repair associated; minus strand). Cytogenetic location: 17q21.31.
Variant type: single nucleotide variant.
Coding change: c.2888C>T on transcript NM_007294.4 (MANE Select); coding-DNA position 2888, C replaced by T.
Protein change: p.Thr963Ile; replaces threonine 963 with isoleucine.
Molecular consequence: missense variant. On other transcripts: intron variant (137).
Genome position (GRCh38, 1-based): chr17:43,092,643, G>A on the plus strand (C>T on the coding strand, the complement: BRCA1 is on the minus strand). VCF-style: chr17-43092643-G-A. GRCh37 (hg19) VCF-style: chr17-41244660-G-A.
Other names: p.T963I:ACT>ATT; c.2747C>T, p.Thr916Ile (NM_001407750.1, NM_001407751.1, NM_001407850.1 and 29 more transcripts); c.2744C>T, p.Thr915Ile (NM_001407848.1, NM_001407849.1, NM_001407943.1 and 20 more transcripts); c.2675C>T, p.Thr892Ile (NM_001407853.1, NM_001407894.1, NM_001407895.1 and 9 more transcripts); c.2888C>T, p.Thr963Ile (NM_001407854.1, NM_001407858.1, NM_001407859.1 and 30 more transcripts); c.2678C>T, p.Thr893Ile (NM_001407885.1, NM_001407886.1, NM_001407887.1 and 13 more transcripts); c.2765C>T, p.Thr922Ile (NM_001407919.1, NM_001407937.1, NM_001407938.1 and 19 more transcripts); c.2624C>T, p.Thr875Ile (NM_001407920.1, NM_001407921.1, NM_001407922.1 and 9 more transcripts); and 42 more; short protein forms T963I, T916I, T851I, T852I, T915I, T921I, T922I, T960I.
Identifiers: ClinVar variation 182077 (VCV000182077.28), dbSNP rs730881443, ClinGen allele CA001884.